The following is an entry in ClinVar:

ClinVar aggregate classification (germline): Benign/Likely benign. Review status: criteria provided, multiple submitters, no conflicts (2 of 4 stars). 7 submissions from 7 submitters: Benign (4); Likely benign (1). 2 of the submissions do not count toward it. Last evaluated 2026-01-28.

Conditions:
Familial thoracic aortic aneurysm and aortic dissection (TAAD). Also called: Thoracic aortic aneurysms and dissections. Identifiers: Orphanet 91387, MedGen C4707243, MONDO:0019625.
FG syndrome (FGS). Identifiers: MedGen C0220769, MONDO:0002010.

Allele frequency attached by ClinVar (database versions not stated): gnomAD exomes 0.00063 and 0.00187; ExAC 0.00210; gnomAD 0.00622 and 0.00685; ESP Exome Variant Server 0.00681; TOPMed 0.00699; 1000 Genomes Project 30x 0.00708; 1000 Genomes Project 0.00715.
gnomAD v4.1: 1,410 of 1,209,022 alleles (0.12%); highest among the groups gnomAD compares: African/African-American, 2.2%; 8 homozygotes.

Submissions (7):

Labcorp Genetics (formerly Invitae), Labcorp
Classification: Benign for FG syndrome. Last evaluated: 2026-01-28. Review status: criteria provided, single submitter. Criteria: Invitae Variant Classification Sherloc (09022015). Collection method: clinical testing. Allele origin: germline.

Blueprint Genetics
Classification: Likely benign. Last evaluated: 2024-10-18. Review status: criteria provided, single submitter. Criteria: ACMG Guidelines, 2015. Collection method: clinical testing. Allele origin: germline.

Ambry Genetics
Classification: Benign for Familial thoracic aortic aneurysm and aortic dissection. Last evaluated: 2015-07-07. Review status: criteria provided, single submitter. Criteria: Ambry Variant Classification Scheme 2023. Collection method: clinical testing. Allele origin: germline.

Center for Pediatric Genomic Medicine, Children's Mercy Hospital and Clinics
Classification: Benign. Last evaluated: 2015-06-12. Review status: criteria provided, single submitter. Criteria: ACMG Guidelines, 2015. Collection method: clinical testing. Allele origin: germline.

GeneDx
Classification: Benign. Last evaluated: 2014-11-17. Review status: criteria provided, single submitter. Criteria: GeneDx Variant Classification (06012015). Collection method: clinical testing. Allele origin: germline. Affected: yes.
Comment: This variant is considered likely benign or benign based on one or more of the following criteria: it is a conservative change, it occurs at a poorly conserved position in the protein, it is predicted to be benign by multiple in silico algorithms, and/or has population frequency not consistent with disease.

ITMI
No classification provided. Condition: AllHighlyPenetrant. Last evaluated: 2013-09-19. Review status: no classification provided. Collection method: reference population. Allele origin: germline. Not counted in ClinVar's aggregate classification.
Comment: Please see associated publication for description of ethnicities

Genetic Services Laboratory, University of Chicago
Classification: Likely benign for AllHighlyPenetrant. Review status: no assertion criteria provided. Collection method: clinical testing. Allele origin: germline. Inheritance: X-linked inheritance. Not counted in ClinVar's aggregate classification.
Comment: Likely benign based on allele frequency in 1000 Genomes Project or ESP global frequency and its presence in a patient with a rare or unrelated disease phenotype. NOT Sanger confirmed.

Literature cited by the submitters: PubMed 24728327 (cited by ITMI).

NM_005120.3(MED12):c.5650G>A (p.Gly1884Ser)

Gene: MED12 (mediator complex subunit 12; plus strand). Cytogenetic location: Xq13.1.
Variant type: single nucleotide variant.
Coding change: c.5650G>A on transcript NM_005120.3 (MANE Select); coding-DNA position 5650, G replaced by A.
Protein change: p.Gly1884Ser; replaces glycine 1884 with serine.
Molecular consequence: missense variant.
Genome position (GRCh38, 1-based): chrX:71,137,285, G>A. VCF-style: chrX-71137285-G-A. GRCh37 (hg19) VCF-style: chrX-70357135-G-A.
Other names: short protein forms G1884S.
Identifiers: ClinVar variation 129593 (VCV000129593.23), dbSNP rs147354926, ClinGen allele CA288958.